The following is an entry in ClinVar:

NM_000096.4(CP):c.1826A>C (p.Lys609Thr)

Gene: CP (ceruloplasmin; minus strand). Cytogenetic location: 3q24.
Variant type: single nucleotide variant.
Coding change: c.1826A>C on transcript NM_000096.4 (MANE Select); coding-DNA position 1826, A replaced by C.
Protein change: p.Lys609Thr; replaces lysine 609 with threonine.
Molecular consequence: missense variant. On other transcripts: non-coding transcript variant (1).
Genome position (GRCh38, 1-based): chr3:149,188,090, T>G on the plus strand (A>C on the coding strand, the complement: CP is on the minus strand). VCF-style: chr3-149188090-T-G. GRCh37 (hg19) VCF-style: chr3-148905877-T-G.
Other names: short protein forms K609T.
Identifiers: ClinVar variation 1474671 (VCV001474671.6), dbSNP rs2108243871, ClinGen allele CA354932829.

ClinVar aggregate classification (germline): Uncertain significance (1 of 4 stars; one submission).

Conditions:
Deficiency of ferroxidase (ACEP). Also called: NEURODEGENERATION WITH BRAIN IRON ACCUMULATION 10; Deficiency of ceruloplasmin; Aceruloplasminemia; Ceruloplasmin deficiency; Familial apoceruloplasmin deficiency; Hereditary ceruloplasmin deficiency. Identifiers: Orphanet 48818, MedGen C0878682, MONDO:0011426, OMIM 604290, HP:0025498.

Submission:

Labcorp Genetics (formerly Invitae), Labcorp
Classification: Uncertain significance for Deficiency of ferroxidase. Last evaluated: 2024-02-17. Review status: criteria provided, single submitter. Criteria: Invitae Variant Classification Sherloc (09022015). Collection method: clinical testing. Allele origin: germline.
Comment: This sequence change replaces lysine, which is basic and polar, with threonine, which is neutral and polar, at codon 609 of the CP protein (p.Lys609Thr). This variant is not present in population databases (gnomAD no frequency). This variant has not been reported in the literature in individuals affected with CP-related conditions. ClinVar contains an entry for this variant (Variation ID: 1474671). Advanced modeling of protein sequence and biophysical properties (such as structural, functional, and spatial information, amino acid conservation, physicochemical variation, residue mobility, and thermodynamic stability) performed at Invitae indicates that this missense variant is not expected to disrupt CP protein function with a negative predictive value of 80%. In summary, the available evidence is currently insufficient to determine the role of this variant in disease. Therefore, it has been classified as a Variant of Uncertain Significance.